The following is an entry in ClinVar:

NM_005515.4(MNX1):c.261C>G (p.His87Gln)

Gene: MNX1 (motor neuron and pancreas homeobox 1; minus strand). Cytogenetic location: 7q36.3.
Variant type: single nucleotide variant.
Coding change: c.261C>G on transcript NM_005515.4 (MANE Select); coding-DNA position 261, C replaced by G.
Protein change: p.His87Gln; replaces histidine 87 with glutamine.
Molecular consequence: missense variant.
Genome position (GRCh38, 1-based): chr7:157,010,090, G>C on the plus strand (C>G on the coding strand, the complement: MNX1 is on the minus strand). VCF-style: chr7-157010090-G-C. GRCh37 (hg19) VCF-style: chr7-156802784-G-C.
Other names: short protein forms H87Q.
Identifiers: ClinVar variation 2908643 (VCV002908643.3), dbSNP rs1453078361, ClinGen allele CA370164920.
Genomic context (GRCh38, chr7:157,010,090, plus strand): 5'-GCCCGTGCCGCCGCCGCCGCCGCCCGCGCCCAGGAAGCCCGGCTTGGGCAGCAGCGCGCA[G>C]TGCGCGGCCAGCAGGCGCGGCGGCGACGGGCTCTCGGCGCGCAGGCGGTCGGCGGGCGCA-3'
Protein context (NP_005506.3, residues 77-97): SPSPPRLLAA[His87Gln]CALLPKPGFL

ClinVar aggregate classification (germline): Uncertain significance (1 of 4 stars; one submission).

Submission:

Labcorp Genetics (formerly Invitae), Labcorp
Classification: Uncertain significance. Last evaluated: 2023-11-20. Review status: criteria provided, single submitter. Criteria: Invitae Variant Classification Sherloc (09022015). Collection method: clinical testing. Allele origin: germline.
Comment: This sequence change replaces histidine, which is basic and polar, with glutamine, which is neutral and polar, at codon 87 of the MNX1 protein (p.His87Gln). The frequency data for this variant in the population databases is considered unreliable, as metrics indicate insufficient coverage at this position in the gnomAD database. This variant has not been reported in the literature in individuals affected with MNX1-related conditions. Advanced modeling of protein sequence and biophysical properties (such as structural, functional, and spatial information, amino acid conservation, physicochemical variation, residue mobility, and thermodynamic stability) performed at Invitae indicates that this missense variant is not expected to disrupt MNX1 protein function with a negative predictive value of 80%. In summary, the available evidence is currently insufficient to determine the role of this variant in disease. Therefore, it has been classified as a Variant of Uncertain Significance.